The following is an entry in ClinVar:

NM_006767.4(LZTR1):c.273G>A (p.Met91Ile)

Gene: LZTR1 (leucine zipper like post translational regulator 1; plus strand). Cytogenetic location: 22q11.21.
Variant type: single nucleotide variant.
Coding change: c.273G>A on transcript NM_006767.4 (MANE Select); coding-DNA position 273, G replaced by A.
Protein change: p.Met91Ile; replaces methionine 91 with isoleucine.
Molecular consequence: missense variant.
Genome position (GRCh38, 1-based): chr22:20,985,850, G>A. VCF-style: chr22-20985850-G-A. GRCh37 (hg19) VCF-style: chr22-21340139-G-A.
Other names: short protein forms M91I.
Identifiers: ClinVar variation 2636997 (VCV002636997.3), dbSNP rs1924362561, ClinGen allele CA410778798.

ClinVar aggregate classification (germline): Conflicting classifications of pathogenicity. Review status: criteria provided, conflicting classifications (1 of 4 stars). 2 submissions from 2 submitters: Likely pathogenic (1); Uncertain significance (1). Last evaluated 2024-09-17.

Conditions:
LZTR1-related disorder. Also called: LZTR1-related disorders; LZTR1-related condition.

Submissions (2):

Labcorp Genetics (formerly Invitae), Labcorp
Classification: Uncertain significance. Last evaluated: 2024-09-17. Review status: criteria provided, single submitter. Criteria: Invitae Variant Classification Sherloc (09022015). Collection method: clinical testing. Allele origin: germline.
Comment: This sequence change replaces methionine, which is neutral and non-polar, with isoleucine, which is neutral and non-polar, at codon 91 of the LZTR1 protein (p.Met91Ile). This variant is not present in population databases (gnomAD no frequency). This variant has not been reported in the literature in individuals affected with LZTR1-related conditions. ClinVar contains an entry for this variant (Variation ID: 2636997). Invitae Evidence Modeling of protein sequence and biophysical properties (such as structural, functional, and spatial information, amino acid conservation, physicochemical variation, residue mobility, and thermodynamic stability) indicates that this missense variant is not expected to disrupt LZTR1 protein function with a negative predictive value of 80%. In summary, the available evidence is currently insufficient to determine the role of this variant in disease. Therefore, it has been classified as a Variant of Uncertain Significance.

PreventionGenetics, part of Exact Sciences
Classification: Likely pathogenic for LZTR1-related condition. Last evaluated: 2023-02-09. Review status: criteria provided, single submitter. Criteria: ACMG Guidelines, 2015. Collection method: clinical testing. Allele origin: germline.
Comment: The LZTR1 c.273G>A variant is predicted to result in the amino acid substitution p.Met91Ile. To our knowledge, this variant has not been reported in the literature or in a large population database, indicating this variant is rare. A different amino acid substitution has been reported as pathogenic for autosomal dominant Noonan syndrome (p.Met91Val in Motta et al. 2019. PubMed ID: 30481304). This variant is interpreted as likely pathogenic.